The following is an entry in ClinVar:

NM_001042750.2(STAG2):c.3069A>G (p.Glu1023=)

Gene: STAG2 (STAG2 cohesin complex component; plus strand). Cytogenetic location: Xq25.
Variant type: single nucleotide variant.
Coding change: c.3069A>G on transcript NM_001042750.2 (MANE Select); coding-DNA position 3069, A replaced by G.
Protein change: p.Glu1023=; no amino-acid change (glutamic acid 1023 retained).
Molecular consequence: synonymous variant.
Genome position (GRCh38, 1-based): chrX:124,086,562, A>G. VCF-style: chrX-124086562-A-G. GRCh37 (hg19) VCF-style: chrX-123220412-A-G.
Other names: c.3069A>G, p.Glu1023= (NM_001042749.2, NM_001042751.2, NM_001282418.2 and 13 more transcripts).
Identifiers: ClinVar variation 1662171 (VCV001662171.11), dbSNP rs769864845, ClinGen allele CA10509112.

ClinVar aggregate classification (germline): Likely benign. Review status: criteria provided, multiple submitters, no conflicts (2 of 4 stars). 3 submissions from 3 submitters: Likely benign (3). Last evaluated 2026-06-01.

Allele frequency attached by ClinVar (database versions not stated): gnomAD 0.00001; gnomAD exomes 0.00001; ExAC 0.00002; TOPMed 0.00002.
gnomAD v4.1: 10 of 1,205,467 alleles (0.00083%); highest among the groups gnomAD compares: Non-Finnish European, 0.0011%; no homozygotes.

Submissions (3):

CeGaT Center for Human Genetics Tuebingen
Classification: Likely benign. Last evaluated: 2026-06-01. Review status: criteria provided, single submitter. Criteria: CeGaT Center For Human Genetics Tuebingen Variant Classification Criteria Version 2. Collection method: clinical testing. Allele origin: germline. Affected: yes. Observed: 1 variant allele.
Comment: STAG2: BP4, BP7, BS2

Blueprint Genetics
Classification: Likely benign. Last evaluated: 2024-07-17. Review status: criteria provided, single submitter. Criteria: ACMG Guidelines, 2015. Collection method: clinical testing. Allele origin: germline.

Labcorp Genetics (formerly Invitae), Labcorp
Classification: Likely benign. Last evaluated: 2023-12-27. Review status: criteria provided, single submitter. Criteria: Invitae Variant Classification Sherloc (09022015). Collection method: clinical testing. Allele origin: germline.